The following is an entry in ClinVar:

NM_020549.5(CHAT):c.224C>T (p.Pro75Leu)

Gene: CHAT (choline O-acetyltransferase; plus strand). Cytogenetic location: 10q11.23.
Variant type: single nucleotide variant.
Coding change: c.224C>T on transcript NM_020549.5 (MANE Select); coding-DNA position 224, C replaced by T.
Protein change: p.Pro75Leu; replaces proline 75 with leucine.
Molecular consequence: missense variant. On other transcripts: 5 prime UTR variant (4), intron variant (2).
Genome position (GRCh38, 1-based): chr10:49,614,413, C>T. VCF-style: chr10-49614413-C-T. GRCh37 (hg19) VCF-style: chr10-50822459-C-T.
Other names: c.-131C>T (NM_001142929.2, NM_020985.4); c.-93C>T (NM_001142933.2); c.-201C>T (NM_001142934.2); c.-68-2089C>T (NM_020984.4); c.-69+1211C>T (NM_020986.4); c.224C>T (NM_020549.4); short protein forms P75L.
Identifiers: ClinVar variation 2421713 (VCV002421713.4), dbSNP rs866975495, ClinGen allele CA206622973.

ClinVar aggregate classification (germline): Uncertain significance. Review status: criteria provided, multiple submitters, no conflicts (2 of 4 stars). 2 submissions from 2 submitters: Uncertain significance (2). Last evaluated 2023-12-30.

Conditions:
Inborn genetic diseases. Identifiers: MedGen C0950123, MeSH D030342.
Familial infantile myasthenia (CMS6). Also called: MYASTHENIC SYNDROME, CONGENITAL, 6, PRESYNAPTIC; MYASTHENIC SYNDROME, PRESYNAPTIC, CONGENITAL, ASSOCIATED WITH EPISODIC APNEA; Congenital myasthenic syndrome type 6. Identifiers: Orphanet 590, MedGen C0393929, MONDO:0009689, OMIM 254210.

Allele frequency attached by ClinVar (database versions not stated): gnomAD exomes below 0.00001; gnomAD 0.00001; TOPMed 0.00001.
gnomAD v4.1: 6 of 1,547,298 alleles (0.00039%); highest among the groups gnomAD compares: South Asian, 0.0048%; no homozygotes.

Submissions (2):

Ambry Genetics
Classification: Uncertain significance for Inborn genetic diseases. Last evaluated: 2023-12-30. Review status: criteria provided, single submitter. Criteria: Ambry Variant Classification Scheme 2023. Collection method: clinical testing. Allele origin: germline.

Labcorp Genetics (formerly Invitae), Labcorp
Classification: Uncertain significance for Familial infantile myasthenia. Last evaluated: 2022-02-06. Review status: criteria provided, single submitter. Criteria: Invitae Variant Classification Sherloc (09022015). Collection method: clinical testing. Allele origin: germline.
Comment: This sequence change replaces proline, which is neutral and non-polar, with leucine, which is neutral and non-polar, at codon 75 of the CHAT protein (p.Pro75Leu). This variant is not present in population databases (gnomAD no frequency). This variant has not been reported in the literature in individuals affected with CHAT-related conditions. Advanced modeling of protein sequence and biophysical properties (such as structural, functional, and spatial information, amino acid conservation, physicochemical variation, residue mobility, and thermodynamic stability) performed at Invitae indicates that this missense variant is not expected to disrupt CHAT protein function. In summary, the available evidence is currently insufficient to determine the role of this variant in disease. Therefore, it has been classified as a Variant of Uncertain Significance.